The following is an entry in ClinVar:

ClinVar aggregate classification (germline): Uncertain significance. Review status: criteria provided, multiple submitters, no conflicts (2 of 4 stars). 2 submissions from 2 submitters: Uncertain significance (2). Last evaluated 2025-05-12.

Conditions:
Inborn genetic diseases. Identifiers: MedGen C0950123, MeSH D030342.

Allele frequency attached by ClinVar (database versions not stated): ExAC 0.00007; ESP Exome Variant Server 0.00024.

Submissions (2):

Labcorp Genetics (formerly Invitae), Labcorp
Classification: Uncertain significance. Last evaluated: 2025-05-12. Review status: criteria provided, single submitter. Criteria: Invitae Variant Classification Sherloc (09022015). Collection method: clinical testing. Allele origin: germline.
Comment: This sequence change replaces methionine, which is neutral and non-polar, with valine, which is neutral and non-polar, at codon 1208 of the AP3D1 protein (p.Met1208Val). This variant is present in population databases (rs199675498, gnomAD 0.009%). This variant has not been reported in the literature in individuals affected with AP3D1-related conditions. ClinVar contains an entry for this variant (Variation ID: 2162097). An algorithm developed to predict the effect of missense changes on protein structure and function outputs the following: PolyPhen-2: "Benign". The valine amino acid residue is found in multiple mammalian species, which suggests that this missense change does not adversely affect protein function. In summary, the available evidence is currently insufficient to determine the role of this variant in disease. Therefore, it has been classified as a Variant of Uncertain Significance.

Ambry Genetics
Classification: Uncertain significance for Inborn genetic diseases. Last evaluated: 2024-09-25. Review status: criteria provided, single submitter. Criteria: Ambry Variant Classification Scheme 2023. Collection method: clinical testing. Allele origin: germline.

NM_001261826.3(AP3D1):c.3622A>G (p.Met1208Val)

Gene: AP3D1 (adaptor related protein complex 3 subunit delta 1; minus strand). Cytogenetic location: 19p13.3.
Variant type: single nucleotide variant.
Coding change: c.3622A>G on transcript NM_001261826.3 (MANE Select); coding-DNA position 3622, A replaced by G.
Protein change: p.Met1208Val; replaces methionine 1208 with valine.
Molecular consequence: missense variant.
Genome position (GRCh38, 1-based): chr19:2,102,199, T>C on the plus strand (A>G on the coding strand, the complement: AP3D1 is on the minus strand). VCF-style: chr19-2102199-T-C. GRCh37 (hg19) VCF-style: chr19-2102198-T-C.
Other names: c.3586A>G, p.Met1196Val (NM_001374799.1); c.3436A>G, p.Met1146Val (NM_003938.8); c.3436A>G (NM_003938.5); short protein forms M1146V, M1196V, M1208V.
Identifiers: ClinVar variation 2162097 (VCV002162097.5), dbSNP rs199675498, ClinGen allele CA9058304.